The following is an entry in ClinVar:

ClinVar aggregate classification (germline): Benign. Review status: criteria provided, multiple submitters, no conflicts (2 of 4 stars). 4 submissions from 4 submitters: Benign (3). 1 of the submissions does not count toward it. Last evaluated 2026-01-30.

Conditions:
SUN1-related disorder. Also called: SUN1-related condition.
Emery-Dreifuss muscular dystrophy (EDMD). Also called: Scapuloperoneal syndrome, X-linked (formerly); Humeroperoneal neuromuscular disease, (formerly). Identifiers: Orphanet 261, MedGen C0410189, MONDO:0016830.

Allele frequency attached by ClinVar (database versions not stated): ESP Exome Variant Server 0.00635; gnomAD 0.01135 and 0.01351; TOPMed 0.01189; gnomAD exomes 0.01336 and 0.02233; ExAC 0.02270; 1000 Genomes Project 30x 0.03186; 1000 Genomes Project 0.03435.
gnomAD v4.1: 21,797 of 1,613,780 alleles (1.4%); highest among the groups gnomAD compares: East Asian, 15%; 731 homozygotes.

Submissions (4):

Labcorp Genetics (formerly Invitae), Labcorp
Classification: Benign for Emery-Dreifuss muscular dystrophy. Last evaluated: 2026-01-30. Review status: criteria provided, single submitter. Criteria: Invitae Variant Classification Sherloc (09022015). Collection method: clinical testing. Allele origin: germline.

Mayo Clinic Laboratories, Mayo Clinic
Classification: Benign. Last evaluated: 2022-03-23. Review status: criteria provided, single submitter. Criteria: ACMG Guidelines, 2015. Collection method: clinical testing. Allele origin: germline. Observed: 10 variant alleles.

GeneDx
Classification: Benign. Last evaluated: 2021-05-05. Review status: criteria provided, single submitter. Criteria: GeneDx Variant Classification Process June 2021. Collection method: clinical testing. Allele origin: germline. Affected: yes.

PreventionGenetics, part of Exact Sciences
Classification: Benign for SUN1-related condition. Last evaluated: 2019-02-20. Review status: no assertion criteria provided. Collection method: clinical testing. Allele origin: germline. Not counted in ClinVar's aggregate classification.
Comment: This variant is classified as benign based on ACMG/AMP sequence variant interpretation guidelines (Richards et al. 2015 PMID: 25741868, with internal and published modifications).

NM_001130965.3(SUN1):c.2043G>A (p.Arg681=)

Gene: SUN1 (Sad1 and UNC84 domain containing 1; plus strand). Cytogenetic location: 7p22.3.
Variant type: single nucleotide variant.
Coding change: c.2043G>A on transcript NM_001130965.3 (MANE Select); coding-DNA position 2043, G replaced by A.
Protein change: p.Arg681=; no amino-acid change (arginine 681 retained).
Molecular consequence: synonymous variant. On other transcripts: non-coding transcript variant (3).
Genome position (GRCh38, 1-based): chr7:869,411, G>A. VCF-style: chr7-869411-G-A. GRCh37 (hg19) VCF-style: chr7-909048-G-A.
Other names: p.Arg681=; c.1734G>A, p.Arg578= (NM_001171944.2); c.2043G>A, p.Arg681= (NM_001367633.1, NM_001367634.1, NM_001367653.1); c.1692G>A, p.Arg564= (NM_001367635.1); c.2283G>A, p.Arg761= (NM_001367636.1, NM_001367691.1); c.2151G>A, p.Arg717= (NM_001367638.1); c.1584G>A, p.Arg528= (NM_001367639.1); c.2223G>A, p.Arg741= (NM_001367640.1); and 44 more.
Identifiers: ClinVar variation 461646 (VCV000461646.17), dbSNP rs61744747, ClinGen allele CA4112477.